The following is an entry in ClinVar:

NM_198578.4(LRRK2):c.6646G>T (p.Val2216Leu)

Gene: LRRK2 (leucine rich repeat kinase 2; plus strand). Cytogenetic location: 12q12.
Variant type: single nucleotide variant.
Coding change: c.6646G>T on transcript NM_198578.4 (MANE Select); coding-DNA position 6646, G replaced by T.
Protein change: p.Val2216Leu; replaces valine 2216 with leucine.
Molecular consequence: missense variant.
Genome position (GRCh38, 1-based): chr12:40,354,368, G>T. VCF-style: chr12-40354368-G-T. GRCh37 (hg19) VCF-style: chr12-40748170-G-T.
Other names: short protein forms V2216L.
Identifiers: ClinVar variation 1754660 (VCV001754660.2), dbSNP rs1294868103, ClinGen allele CA384409015.
Genomic context (GRCh38, chr12:40,354,368, plus strand): 5'-GATAGTAGAATATTGTGCTTAGCCTTGGTGCATCTTCCTGTTGAAAAGGAAAGCTGGATT[G>T]TGTCTGGGACACAGTCTGGTACTCTCCTGGTCATCAATACCGAAGATGGGAAAAAGAGAC-3'
Protein context (NP_940980.4, residues 2206-2226): HLPVEKESWI[Val2216Leu]SGTQSGTLLV

ClinVar aggregate classification (germline): Uncertain significance (1 of 4 stars; one submission).

Conditions:
Inborn genetic diseases. Identifiers: MedGen C0950123, MeSH D030342.

gnomAD v4.1: 2 of 1,614,118 alleles (0.00012%); highest among the groups gnomAD compares: Non-Finnish European, 0.00017%; no homozygotes.

Submission:

Ambry Genetics
Classification: Uncertain significance for Inborn genetic diseases. Last evaluated: 2022-01-10. Review status: criteria provided, single submitter. Criteria: Ambry Variant Classification Scheme 2023. Collection method: clinical testing. Allele origin: germline.
Comment: The p.V2216L variant (also known as c.6646G>T), located in coding exon 45 of the LRRK2 gene, results from a G to T substitution at nucleotide position 6646. The valine at codon 2216 is replaced by leucine, an amino acid with highly similar properties. This amino acid position is conserved. In addition, the in silico prediction for this alteration is inconclusive. Since supporting evidence is limited at this time, the clinical significance of this alteration remains unclear.